The following is an entry in ClinVar:

NM_001205293.3(CACNA1E):c.6574G>C (p.Gly2192Arg)

Gene: CACNA1E (calcium voltage-gated channel subunit alpha1 E; plus strand). Cytogenetic location: 1q25.3.
Variant type: single nucleotide variant.
Coding change: c.6574G>C on transcript NM_001205293.3 (MANE Select); coding-DNA position 6574, G replaced by C.
Protein change: p.Gly2192Arg; replaces glycine 2192 with arginine.
Molecular consequence: missense variant.
Genome position (GRCh38, 1-based): chr1:181,798,466, G>C. VCF-style: chr1-181798466-G-C. GRCh37 (hg19) VCF-style: chr1-181767602-G-C.
Other names: c.6445G>C, p.Gly2149Arg (NM_000721.4); c.6388G>C, p.Gly2130Arg (NM_001205294.2); short protein forms G2130R, G2149R, G2192R.
Identifiers: ClinVar variation 1305873 (VCV001305873.9), dbSNP rs2102911119, ClinGen allele CA343845070.

ClinVar aggregate classification (germline): Uncertain significance. Review status: criteria provided, multiple submitters, no conflicts (2 of 4 stars). 3 submissions from 3 submitters: Uncertain significance (3). Last evaluated 2023-04-11.

Conditions:
Developmental and epileptic encephalopathy, 69. Also called: EPILEPTIC ENCEPHALOPATHY, EARLY INFANTILE, 69. Identifiers: MedGen C4748988, MONDO:0032657, OMIM 618285.

Submissions (3):

Genome-Nilou Lab
Classification: Uncertain significance for Developmental and epileptic encephalopathy, 69. Last evaluated: 2023-04-11. Review status: criteria provided, single submitter. Criteria: ACMG Guidelines, 2015. Collection method: clinical testing. Allele origin: germline. Affected: no.

GeneDx
Classification: Uncertain significance. Last evaluated: 2022-03-10. Review status: criteria provided, single submitter. Criteria: GeneDx Variant Classification Process June 2021. Collection method: clinical testing. Allele origin: germline. Affected: yes.
Comment: Not observed at significant frequency in large population cohorts (gnomAD); In silico analysis, which includes protein predictors and evolutionary conservation, supports a deleterious effect; Has not been previously published as pathogenic or benign to our knowledge

Labcorp Genetics (formerly Invitae), Labcorp
Classification: Uncertain significance. Last evaluated: 2021-09-14. Review status: criteria provided, single submitter. Criteria: Invitae Variant Classification Sherloc (09022015). Collection method: clinical testing. Allele origin: germline.
Comment: This sequence change replaces glycine with arginine at codon 2149 of the CACNA1E protein (p.Gly2149Arg). The glycine residue is highly conserved and there is a moderate physicochemical difference between glycine and arginine. This variant is not present in population databases (ExAC no frequency). This variant has not been reported in the literature in individuals affected with CACNA1E-related conditions. Advanced modeling of protein sequence and biophysical properties (such as structural, functional, and spatial information, amino acid conservation, physicochemical variation, residue mobility, and thermodynamic stability) performed at Invitae indicates that this missense variant is not expected to disrupt CACNA1E protein function. In summary, the available evidence is currently insufficient to determine the role of this variant in disease. Therefore, it has been classified as a Variant of Uncertain Significance.